The following is an entry in ClinVar:

ClinVar aggregate classification (germline): Uncertain significance (1 of 4 stars; one submission).

Allele frequency attached by ClinVar (database versions not stated): TOPMed below 0.00001; gnomAD 0.00001.

Submission:

Labcorp Genetics (formerly Invitae), Labcorp
Classification: Uncertain significance. Last evaluated: 2023-05-20. Review status: criteria provided, single submitter. Criteria: Invitae Variant Classification Sherloc (09022015). Collection method: clinical testing. Allele origin: germline.
Comment: In summary, the available evidence is currently insufficient to determine the role of this variant in disease. Therefore, it has been classified as a Variant of Uncertain Significance. Advanced modeling of protein sequence and biophysical properties (such as structural, functional, and spatial information, amino acid conservation, physicochemical variation, residue mobility, and thermodynamic stability) performed at Invitae indicates that this missense variant is not expected to disrupt RNF13 protein function. This variant has not been reported in the literature in individuals affected with RNF13-related conditions. This variant is not present in population databases (gnomAD no frequency). This sequence change replaces threonine, which is neutral and polar, with alanine, which is neutral and non-polar, at codon 163 of the RNF13 protein (p.Thr163Ala).

NM_183381.3(RNF13):c.487A>G (p.Thr163Ala)

Gene: RNF13 (ring finger protein 13; plus strand). Cytogenetic location: 3q25.1.
Variant type: single nucleotide variant.
Coding change: c.487A>G on transcript NM_183381.3 (MANE Select); coding-DNA position 487, A replaced by G.
Protein change: p.Thr163Ala; replaces threonine 163 with alanine.
Molecular consequence: missense variant. On other transcripts: non-coding transcript variant (1).
Genome position (GRCh38, 1-based): chr3:149,902,149, A>G. VCF-style: chr3-149902149-A-G. GRCh37 (hg19) VCF-style: chr3-149619936-A-G.
Other names: c.130A>G, p.Thr44Ala (NM_183383.2, NM_001378287.1, NM_001378288.1 and 2 more transcripts); c.487A>G, p.Thr163Ala (NM_001378285.1, NM_001378286.1, NM_007282.4); c.94A>G, p.Thr32Ala (NM_001378291.1); short protein forms T32A, T44A, T163A.
Identifiers: ClinVar variation 2875366 (VCV002875366.3), dbSNP rs1156676347, ClinGen allele CA355011185.
Genomic context (GRCh38, chr3:149,902,149, plus strand): 5'-ATTGACATTCCATCTGTCTTTATTGGTGAATCATCAGCTAATTCTCTGAAAGATGAATTC[A>G]CATATGAAAAAGGGTAAGTAATGGATATAAAAAATCATGTTGCTTAAAATTCTTCTTTAT-3'
Protein context (NP_899237.1, residues 153-173): SSANSLKDEF[Thr163Ala]YEKGGHLILV